The following is an entry in ClinVar:

NM_001374828.1(ARID1B):c.3906G>C (p.Gln1302His)

Gene: ARID1B (AT-rich interaction domain 1B; plus strand). Cytogenetic location: 6q25.3.
Variant type: single nucleotide variant.
Coding change: c.3906G>C on transcript NM_001374828.1 (MANE Select); coding-DNA position 3906, G replaced by C.
Protein change: p.Gln1302His; replaces glutamine 1302 with histidine.
Molecular consequence: missense variant.
Genome position (GRCh38, 1-based): chr6:157,184,422, G>C. VCF-style: chr6-157184422-G-C. GRCh37 (hg19) VCF-style: chr6-157505556-G-C.
Other names: c.3747G>C, p.Gln1249His (NM_017519.3); c.1407G>C, p.Gln469His (NM_001363725.2); c.3786G>C, p.Gln1262His (NM_001371656.1, NM_001374820.1); short protein forms Q1249H, Q1262H, Q1302H, Q469H.
Identifiers: ClinVar variation 3377661 (VCV003377661.1).
Genomic context (GRCh38, chr6:157,184,422, plus strand): 5'-GGAGGAGCCCCCGCCGGAAGTCTTCAGCACCGGGGACACCAAAAAGCAGCCCAAGCTCCA[G>C]CCGCCATCTCCTGGTAAGTGGCGGCGCTGCAGTCACTGGCCCAGGAAAGCCCAGGCGCCT-3'
Protein context (NP_001361757.1, residues 1292-1312): TGDTKKQPKL[Gln1302His]PPSPANSGSL

ClinVar aggregate classification (germline): Uncertain significance (1 of 4 stars; one submission).

Conditions:
Coffin-Siris syndrome 1 (CSS1). Also called: ARID1B-Related Coffin-Siris Syndrome; Mental retardation, autosomal dominant 12. Identifiers: Orphanet 1465, MedGen C3281201, MONDO:0007617, OMIM 135900. Disease mechanism: gain of function.

Submission:

Neuberg Centre For Genomic Medicine, NCGM
Classification: Uncertain significance for Coffin-Siris syndrome 1. Last evaluated: 2023-06-22. Review status: criteria provided, single submitter. Criteria: ACMG Guidelines, 2015. Collection method: clinical testing. Allele origin: germline. Inheritance: Autosomal dominant inheritance. Affected: yes.
Comment: The observed missense c.3906G>C(p.Gln1302His) variant in ARID1B gene has not been reported previously as a pathogenic variant nor as a benign variant, to our knowledge. This variant is absent in gnomAD Exomes. The amino acid Gln at position 1302 is changed to a His changing protein sequence and it might alter its composition and physico-chemical properties. The amino acid change p.Gln1302His in ARID1B is predicted as conserved by GERP++ and PhyloP across 100 vertebrates. Multiple lines of computational evidence (Polyphen - Damaging, SIFT - Damaging, and MutationTaster - Disease causing) predict a damaging effect on protein structure and function for this variant. For these reasons, this variant has been classified as Uncertain Significance.